The following is an entry in ClinVar:

NM_020166.5(MCCC1):c.1083+185G>A

Gene: MCCC1 (methylcrotonyl-CoA carboxylase subunit 1; minus strand). Cytogenetic location: 3q27.1.
Variant type: single nucleotide variant.
Coding change: c.1083+185G>A on transcript NM_020166.5 (MANE Select); 185 bases into the intron after coding-DNA position 1083, G replaced by A.
Molecular consequence: intron variant.
Genome position (GRCh38, 1-based): chr3:183,045,228, C>T on the plus strand (G>A on the coding strand, the complement: MCCC1 is on the minus strand). VCF-style: chr3-183045228-C-T. GRCh37 (hg19) VCF-style: chr3-182763016-C-T.
Other names: NC_000003.11:g.182763016C>T; c.756+185G>A (NM_001363880.1); c.732+185G>A (NM_001293273.2).
Identifiers: ClinVar variation 684201 (VCV000684201.2), dbSNP rs13088830, ClinGen allele CA11389153.

ClinVar aggregate classification (germline): Benign (1 of 4 stars; one submission).

Allele frequency attached by ClinVar (database versions not stated): gnomAD 0.61827 and 0.62178; 1000 Genomes Project 30x 0.52389; 1000 Genomes Project 0.53015.
gnomAD v4.1: 94,523 of 151,654 alleles (62%); highest among the groups gnomAD compares: Non-Finnish European, 79%; 33,202 homozygotes.

Submissions (3):

GeneDx
Classification: Benign. Last evaluated: 2018-06-14. Review status: criteria provided, single submitter. Criteria: GeneDx Variant Classification (06012015). Collection method: clinical testing. Allele origin: germline. Affected: yes.
Comment: This variant is considered likely benign or benign based on one or more of the following criteria: it is a conservative change, it occurs at a poorly conserved position in the protein, it is predicted to be benign by multiple in silico algorithms, and/or has population frequency not consistent with disease.

Dr. Peter K. Rogan Lab, Western University
No classification provided (evidence only). Condition: Cholangiocarcinoma. Review status: no classification provided. Collection method: in vitro. Allele origin: not applicable. Functional consequence: skipped exon, retained intron. Not counted in ClinVar's aggregate classification.

Dr. Peter K. Rogan Lab, Western University
No classification provided (evidence only). Condition: Cholangiocarcinoma. Review status: no classification provided. Collection method: in vitro. Allele origin: not applicable. Functional consequence: retained intron. Not counted in ClinVar's aggregate classification.